The following is an entry in ClinVar:

ClinVar aggregate classification (germline): Uncertain significance (1 of 4 stars; one submission).

Submission:

GeneDx
Classification: Uncertain significance. Last evaluated: 2023-10-24. Review status: criteria provided, single submitter. Criteria: GeneDx Variant Classification Process June 2021. Collection method: clinical testing. Allele origin: germline. Affected: yes.
Comment: Not observed at significant frequency in large population cohorts (gnomAD); In silico analysis supports that this missense variant has a deleterious effect on protein structure/function; Has not been previously published as pathogenic or benign to our knowledge

NM_012469.4(PRPF6):c.1518G>C (p.Trp506Cys)

Genes: PRPF6 (pre-mRNA processing factor 6; plus strand), LOC126863089 (BRD4-independent group 4 enhancer GRCh37_chr20:62642795-62643994; plus strand). Cytogenetic location: 20q13.33.
Variant type: single nucleotide variant.
Coding change: c.1518G>C on transcript NM_012469.4 (MANE Select); coding-DNA position 1518, G replaced by C.
Protein change: p.Trp506Cys; replaces tryptophan 506 with cysteine.
Molecular consequence: missense variant.
Genome position (GRCh38, 1-based): chr20:64,011,497, G>C. VCF-style: chr20-64011497-G-C. GRCh37 (hg19) VCF-style: chr20-62642850-G-C.
Other names: short protein forms W506C.
Identifiers: ClinVar variation 3363287 (VCV003363287.1).